The following is an entry in ClinVar:

NM_017999.5(RNF31):c.1352C>T (p.Ser451Phe)

Gene: RNF31 (ring finger protein 31; plus strand). Cytogenetic location: 14q12.
Variant type: single nucleotide variant.
Coding change: c.1352C>T on transcript NM_017999.5 (MANE Select); coding-DNA position 1352, C replaced by T.
Protein change: p.Ser451Phe; replaces serine 451 with phenylalanine.
Molecular consequence: missense variant.
Genome position (GRCh38, 1-based): chr14:24,150,752, C>T. VCF-style: chr14-24150752-C-T. GRCh37 (hg19) VCF-style: chr14-24619961-C-T.
Other names: c.1352C>T (NM_017999.4); c.899C>T, p.Ser300Phe (NM_001310332.2); short protein forms S300F, S451F.
Identifiers: ClinVar variation 2867659 (VCV002867659.4), dbSNP rs1212871633, ClinGen allele CA389295103.

ClinVar aggregate classification (germline): Uncertain significance. Review status: criteria provided, multiple submitters, no conflicts (2 of 4 stars). 2 submissions from 2 submitters: Uncertain significance (2). Last evaluated 2024-05-21.

Allele frequency attached by ClinVar (database versions not stated): gnomAD exomes below 0.00001; gnomAD 0.00002; TOPMed 0.00002.
gnomAD v4.1: 8 of 1,612,708 alleles (0.0005%); highest among the groups gnomAD compares: African/African-American, 0.0054%; no homozygotes.

Submissions (2):

Labcorp Genetics (formerly Invitae), Labcorp
Classification: Uncertain significance. Last evaluated: 2024-05-21. Review status: criteria provided, single submitter. Criteria: Invitae Variant Classification Sherloc (09022015). Collection method: clinical testing. Allele origin: germline.
Comment: This sequence change replaces serine, which is neutral and polar, with phenylalanine, which is neutral and non-polar, at codon 451 of the RNF31 protein (p.Ser451Phe). This variant is not present in population databases (gnomAD no frequency). This variant has not been reported in the literature in individuals affected with RNF31-related conditions. An algorithm developed to predict the effect of missense changes on protein structure and function (PolyPhen-2) suggests that this variant is likely to be disruptive. In summary, the available evidence is currently insufficient to determine the role of this variant in disease. Therefore, it has been classified as a Variant of Uncertain Significance.

Ambry Genetics
Classification: Uncertain significance. Last evaluated: 2024-04-12. Review status: criteria provided, single submitter. Criteria: Ambry Variant Classification Scheme 2023. Collection method: clinical testing. Allele origin: germline.